The following is an entry in ClinVar:

ClinVar aggregate classification (germline): Uncertain significance. Review status: criteria provided, multiple submitters, no conflicts (2 of 4 stars). 3 submissions from 3 submitters: Uncertain significance (2). 1 of the submissions does not count toward it. Last evaluated 2024-10-15.

Conditions:
RECQL4-related disorder. Also called: RECQL4-related condition; RECQL4-related disorders.
Inborn genetic diseases. Identifiers: MedGen C0950123, MeSH D030342.
Baller-Gerold syndrome (BGS). Also called: CRANIOSYNOSTOSIS WITH RADIAL DEFECTS. Identifiers: Orphanet 1225, MedGen C0265308, MONDO:0009039, OMIM 218600.

Allele frequency attached by ClinVar (database versions not stated): gnomAD exomes below 0.00001 and 0.00001; ExAC 0.00002; gnomAD 0.00006; TOPMed 0.00006.
gnomAD v4.1: 18 of 1,593,250 alleles (0.0011%); highest among the groups gnomAD compares: African/African-American, 0.016%; no homozygotes.

Submissions (3):

Ambry Genetics
Classification: Uncertain significance for Inborn genetic diseases. Last evaluated: 2024-10-15. Review status: criteria provided, single submitter. Criteria: Ambry Variant Classification Scheme 2023. Collection method: clinical testing. Allele origin: germline.
Comment: The p.L59F variant (also known as c.175C>T), located in coding exon 3 of the RECQL4 gene, results from a C to T substitution at nucleotide position 175. The leucine at codon 59 is replaced by phenylalanine, an amino acid with highly similar properties. This amino acid position is conserved. In addition, this alteration is predicted to be tolerated by in silico analysis. Based on the available evidence, the clinical significance of this variant remains unclear.

Labcorp Genetics (formerly Invitae), Labcorp
Classification: Uncertain significance for Baller-Gerold syndrome. Last evaluated: 2024-04-30. Review status: criteria provided, single submitter. Criteria: Invitae Variant Classification Sherloc (09022015). Collection method: clinical testing. Allele origin: germline.
Comment: This sequence change replaces leucine, which is neutral and non-polar, with phenylalanine, which is neutral and non-polar, at codon 59 of the RECQL4 protein (p.Leu59Phe). This variant is present in population databases (rs752508496, gnomAD 0.03%). This variant has not been reported in the literature in individuals affected with RECQL4-related conditions. ClinVar contains an entry for this variant (Variation ID: 239706). Experimental studies and prediction algorithms are not available or were not evaluated, and the functional significance of this variant is currently unknown. In summary, the available evidence is currently insufficient to determine the role of this variant in disease. Therefore, it has been classified as a Variant of Uncertain Significance.

PreventionGenetics, part of Exact Sciences
Classification: Uncertain significance for RECQL4-related condition. Last evaluated: 2024-05-09. Review status: no assertion criteria provided. Collection method: clinical testing. Allele origin: germline. Not counted in ClinVar's aggregate classification.
Comment: The RECQL4 c.175C>T variant is predicted to result in the amino acid substitution p.Leu59Phe. To our knowledge, this variant has not been reported in the literature. This variant is reported in 0.025% of alleles in individuals of African descent in gnomAD and has been interpreted as uncertain in ClinVar. At this time, the clinical significance of this variant is uncertain due to the absence of conclusive functional and genetic evidence.

NM_004260.4(RECQL4):c.175C>T (p.Leu59Phe)

Genes: RECQL4 (RecQ like helicase 4; minus strand), LOC130001411 (ATAC-STARR-seq lymphoblastoid silent region 19699; plus strand). Cytogenetic location: 8q24.3.
Variant type: single nucleotide variant.
Coding change: c.175C>T on transcript NM_004260.4 (MANE Select); coding-DNA position 175, C replaced by T.
Protein change: p.Leu59Phe; replaces leucine 59 with phenylalanine.
Molecular consequence: missense variant.
Genome position (GRCh38, 1-based): chr8:144,517,452, G>A on the plus strand (C>T on the coding strand, the complement: RECQL4 is on the minus strand). VCF-style: chr8-144517452-G-A. GRCh37 (hg19) VCF-style: chr8-145742836-G-A.
Other names: short protein forms L59F.
Identifiers: ClinVar variation 239706 (VCV000239706.11), dbSNP rs752508496, ClinGen allele CA4949467.